The following is an entry in ClinVar:

ClinVar aggregate classification (germline): Uncertain significance (1 of 4 stars; one submission).

gnomAD v4.1: 2 of 1,614,202 alleles (0.00012%); highest among the groups gnomAD compares: Admixed American, 0.0033%; no homozygotes.

Submission:

Labcorp Genetics (formerly Invitae), Labcorp
Classification: Uncertain significance. Last evaluated: 2025-08-02. Review status: criteria provided, single submitter. Criteria: Invitae Variant Classification Sherloc (09022015). Collection method: clinical testing. Allele origin: germline.
Comment: This sequence change replaces alanine, which is neutral and non-polar, with threonine, which is neutral and polar, at codon 1618 of the CHD3 protein (p.Ala1618Thr). This variant is present in population databases (rs752113805, gnomAD 0.003%). This variant has not been reported in the literature in individuals affected with CHD3-related conditions. Invitae Evidence Modeling of protein sequence and biophysical properties (such as structural, functional, and spatial information, amino acid conservation, physicochemical variation, residue mobility, and thermodynamic stability) indicates that this missense variant is not expected to disrupt CHD3 protein function with a negative predictive value of 80%. In summary, the available evidence is currently insufficient to determine the role of this variant in disease. Therefore, it has been classified as a Variant of Uncertain Significance.

NM_001005273.3(CHD3):c.4675G>A (p.Ala1559Thr)

Gene: CHD3 (chromodomain helicase DNA binding protein 3; plus strand). Cytogenetic location: 17p13.1.
Variant type: single nucleotide variant.
Coding change: c.4675G>A on transcript NM_001005273.3 (MANE Select); coding-DNA position 4675, G replaced by A.
Protein change: p.Ala1559Thr; replaces alanine 1559 with threonine.
Molecular consequence: missense variant.
Genome position (GRCh38, 1-based): chr17:7,907,134, G>A. VCF-style: chr17-7907134-G-A. GRCh37 (hg19) VCF-style: chr17-7810452-G-A.
Other names: c.4852G>A, p.Ala1618Thr (NM_001005271.3, NM_001437504.1); c.4840G>A, p.Ala1614Thr (NM_001437507.1, NM_001437508.1, NM_001437509.1); c.4675G>A, p.Ala1559Thr (NM_005852.4); short protein forms A1614T, A1618T, A1559T.
Identifiers: ClinVar variation 4740726 (VCV004740726.1).
Genomic context (GRCh38, chr17:7,907,134, plus strand): 5'-AGGAGTCAGGGCGGGAGAATCTCTGTCTTTATCACTGTGCCTTCCCCTGCAGCTACTCCA[G>A]CTCCAAGTGAGAAAGGAGAAGGCATAAGGACACCTCTTGAGAAGGAGGAAGCTGAAAACC-3'
Protein context (NP_001005273.1, residues 1549-1569): SPCTSKPATP[Ala1559Thr]PSEKGEGIRT